The following is an entry in ClinVar:

NM_001363711.2(DUOX2):c.4478_4479delinsTG (p.Pro1493Leu)

Gene: DUOX2 (dual oxidase 2; minus strand). Cytogenetic location: 15q21.1.
Variant type: Indel.
Coding change: c.4478_4479delinsTG on transcript NM_001363711.2 (MANE Select); coding-DNA positions 4478 to 4479, CC replaced by TG.
Protein change: p.Pro1493Leu; replaces proline 1493 with leucine.
Molecular consequence: missense variant.
Genome position (GRCh38, 1-based): chr15:45,094,608-45,094,609, GG replaced by CA on the plus strand (CC replaced by TG on the coding strand, the reverse complement: DUOX2 is on the minus strand). VCF-style: chr15-45094608-GG-CA. GRCh37 (hg19) VCF-style: chr15-45386806-GG-CA.
Other names: c.4478_4479delinsTG, p.Pro1493Leu (NM_014080.5); short protein forms P1493L.
Identifiers: ClinVar variation 1304327 (VCV001304327.2), dbSNP rs2141139005, ClinGen allele CA2573054019.

ClinVar aggregate classification (germline): Uncertain significance (1 of 4 stars; one submission).

Submission:

GeneDx
Classification: Uncertain significance. Last evaluated: 2021-04-02. Review status: criteria provided, single submitter. Criteria: GeneDx Variant Classification Process June 2021. Collection method: clinical testing. Allele origin: germline. Affected: yes.
Comment: Not observed in large population cohorts (Lek et al., 2016); In silico analysis supports a deleterious effect on protein structure/function; Has not been previously published as pathogenic or benign to our knowledge